The following is an entry in ClinVar:

NM_002474.3(MYH11):c.1323C>A (p.Asn441Lys)

Gene: MYH11 (myosin heavy chain 11; minus strand). Cytogenetic location: 16p13.11.
Variant type: single nucleotide variant.
Coding change: c.1323C>A on transcript NM_002474.3 (MANE Select); coding-DNA position 1323, C replaced by A.
Protein change: p.Asn441Lys; replaces asparagine 441 with lysine.
Molecular consequence: missense variant.
Genome position (GRCh38, 1-based): chr16:15,759,654, G>T on the plus strand (C>A on the coding strand, the complement: MYH11 is on the minus strand). VCF-style: chr16-15759654-G-T. GRCh37 (hg19) VCF-style: chr16-15853511-G-T.
Other names: c.1344C>A, p.Asn448Lys (NM_001040113.2, NM_001040114.2); c.1323C>A, p.Asn441Lys (NM_022844.3); short protein forms N441K, N448K.
Identifiers: ClinVar variation 1172304 (VCV001172304.3), dbSNP rs1159394998, ClinGen allele CA394872494.

ClinVar aggregate classification (germline): Uncertain significance (1 of 4 stars; one submission).

Conditions:
Familial thoracic aortic aneurysm and aortic dissection (TAAD). Also called: Thoracic aortic aneurysms and dissections. Identifiers: Orphanet 91387, MedGen C4707243, MONDO:0019625.

Submission:

Color Diagnostics, LLC DBA Color Health
Classification: Uncertain significance for Familial thoracic aortic aneurysm and aortic dissection. Last evaluated: 2024-03-07. Review status: criteria provided, single submitter. Criteria: ACMG Guidelines, 2015. Collection method: clinical testing. Allele origin: germline.
Comment: This missense variant replaces asparagine with lysine at codon 448 of the MYH11 protein. Computational prediction suggests that this variant may have deleterious impact on protein structure and function (internally defined REVEL score threshold >= 0.7, PMID: 27666373). o our knowledge, functional studies have not been reported for this variant. This variant has not been reported in individuals affected with cardiovascular disorders in the literature. This variant has not been identified in the general population by the Genome Aggregation Database (gnomAD). The available evidence is insufficient to determine the role of this variant in disease conclusively. Therefore, this variant is classified as a Variant of Uncertain Significance.